The following is an entry in ClinVar:

NM_012452.3(TNFRSF13B):c.252G>C (p.Arg84Ser)

Gene: TNFRSF13B (TNF receptor superfamily member 13B; minus strand). Cytogenetic location: 17p11.2.
Variant type: single nucleotide variant.
Coding change: c.252G>C on transcript NM_012452.3 (MANE Select); coding-DNA position 252, G replaced by C.
Protein change: p.Arg84Ser; replaces arginine 84 with serine.
Molecular consequence: missense variant.
Genome position (GRCh38, 1-based): chr17:16,948,931, C>G on the plus strand (G>C on the coding strand, the complement: TNFRSF13B is on the minus strand). VCF-style: chr17-16948931-C-G. GRCh37 (hg19) VCF-style: chr17-16852245-C-G.
Other names: short protein forms R84S.
Identifiers: ClinVar variation 2430512 (VCV002430512.1), dbSNP rs2087569105, ClinGen allele CA398520148.
Genomic context (GRCh38, chr17:16,948,931, plus strand): 5'-ACAGAAGTATGCACATTGCTTAGGGTGCTGTCCACAGATGGAGGCACAGCTGATGCAGTC[C>G]CTCAGGAGATGGTCATAGAACTTGCCTTGCTCCTTGCGGCAGCTGAGTGACCCTGGGAGA-3'
Protein context (NP_036584.1, residues 74-94): EQGKFYDHLL[Arg84Ser]DCISCASICG

ClinVar aggregate classification (germline): Uncertain significance (1 of 4 stars; one submission).

Allele frequency attached by ClinVar (database versions not stated): gnomAD exomes 0.00001.
gnomAD v4.1: 3 of 1,614,164 alleles (0.00019%); highest among the groups gnomAD compares: East Asian, 0.0067%; no homozygotes.

Submission:

GeneDx
Classification: Uncertain significance. Last evaluated: 2022-08-12. Review status: criteria provided, single submitter. Criteria: GeneDx Variant Classification Process June 2021. Collection method: clinical testing. Allele origin: germline. Affected: yes.
Comment: Not observed at significant frequency in large population cohorts (gnomAD); In silico analysis supports that this missense variant has a deleterious effect on protein structure/function; Has not been previously published as pathogenic or benign to our knowledge